The following is an entry in ClinVar:

NM_000135.4(FANCA):c.3067-435C>G

Gene: FANCA (FA complementation group A; minus strand). Cytogenetic location: 16q24.3.
Variant type: single nucleotide variant.
Coding change: c.3067-435C>G on transcript NM_000135.4 (MANE Select); 435 bases into the intron before coding-DNA position 3067, C replaced by G.
Molecular consequence: intron variant.
Genome position (GRCh38, 1-based): chr16:89,750,337, G>C on the plus strand (C>G on the coding strand, the complement: FANCA is on the minus strand). VCF-style: chr16-89750337-G-C. GRCh37 (hg19) VCF-style: chr16-89816745-G-C.
Other names: c.3067-435C>G (NM_001286167.3).
Identifiers: ClinVar variation 4852706 (VCV004852706.2).
Genomic context (GRCh38, chr16:89,750,337, plus strand): 5'-GGAGACCATCCTGGCTAACATGGTGAAACCCTGTCGCTACTAAAAAATACAAAAAAATTA[G>C]CTGGGCATGGTGGCGGGTGCCTGTAGTCCCAGCGACTCAGGCGGCTGAGGCAGGAGAATG-3'

ClinVar aggregate classification (germline): Uncertain significance (1 of 4 stars; one submission).

gnomAD v4.1: 9,017 of 152,104 alleles (5.9%); highest among the groups gnomAD compares: East Asian, 22%; 413 homozygotes.

Submission:

Dasa
Classification: Uncertain significance. Last evaluated: 2026-04-20. Review status: criteria provided, single submitter. Criteria: DASA Assertion Criteria. Collection method: clinical testing. Allele origin: germline.
Comment: NM_000135.4(FANCA):c.3067-435C>G is an intronic variant. This classification is supported by population frequency inconsistent with a disease-causing role. The currently available literature and clinical evidence are not sufficient to establish a definitive association between this variant and the reported condition. Therefore, this variant is classified as a variant of uncertain significance.